The following is an entry in ClinVar:

NM_001709.5(BDNF):c.373A>G (p.Arg125Gly)

Genes: BDNF (brain derived neurotrophic factor; minus strand), BDNF-AS (BDNF antisense RNA; plus strand). Cytogenetic location: 11p14.1.
Variant type: single nucleotide variant.
Coding change: c.373A>G on transcript NM_001709.5 (MANE Select); coding-DNA position 373, A replaced by G.
Protein change: p.Arg125Gly; replaces arginine 125 with glycine.
Molecular consequence: missense variant.
Genome position (GRCh38, 1-based): chr11:27,658,192, T>C on the plus strand (A>G on the coding strand, the complement: BDNF is on the minus strand). VCF-style: chr11-27658192-T-C. GRCh37 (hg19) VCF-style: chr11-27679739-T-C.
Other names: c.373A>G, p.Arg125Gly (NM_001143805.1, NM_001143806.1, NM_001143807.2 and 9 more transcripts); c.460A>G, p.Arg154Gly (NM_001143809.2); c.619A>G, p.Arg207Gly (NM_001143810.2); c.397A>G, p.Arg133Gly (NM_170731.5); c.418A>G, p.Arg140Gly (NM_170734.4); short protein forms R207G, R133G, R154G, R125G, R140G.
Identifiers: ClinVar variation 4993192 (VCV004993192.1).

ClinVar aggregate classification (germline): Uncertain significance (1 of 4 stars; one submission).

Conditions:
BDNF-related disorder. Also called: BDNF-related condition.

Submission:

PreventionGenetics, part of Exact Sciences
Classification: Uncertain significance for BDNF-related condition. Last evaluated: 2026-01-26. Review status: criteria provided, single submitter. Criteria: ACMG Guidelines, 2015. Collection method: clinical testing. Allele origin: germline.
Comment: The BDNF c.619A>G variant is predicted to result in the amino acid substitution p.Arg207Gly. To our knowledge, this variant has not been reported in the literature or in a large population database (gnomAD), indicating this variant is rare. At this time, the clinical significance of this variant is uncertain due to the absence of conclusive functional and genetic evidence.